The following is an entry in ClinVar:

NM_001039591.3(USP9X):c.6062G>A (p.Gly2021Asp)

Gene: USP9X (ubiquitin specific peptidase 9 X-linked; plus strand). Cytogenetic location: Xp11.4.
Variant type: single nucleotide variant.
Coding change: c.6062G>A on transcript NM_001039591.3 (MANE Select); coding-DNA position 6062, G replaced by A.
Protein change: p.Gly2021Asp; replaces glycine 2021 with aspartic acid.
Molecular consequence: missense variant.
Genome position (GRCh38, 1-based): chrX:41,216,629, G>A. VCF-style: chrX-41216629-G-A. GRCh37 (hg19) VCF-style: chrX-41075882-G-A.
Other names: c.6062G>A, p.Gly2021Asp (NM_001039590.3); c.6077G>A, p.Gly2026Asp (NM_001410748.1, NM_001410749.1); short protein forms G2021D, G2026D.
Identifiers: ClinVar variation 2070178 (VCV002070178.4), dbSNP rs2519372757, ClinGen allele CA412798102.

ClinVar aggregate classification (germline): Uncertain significance (1 of 4 stars; one submission).

Submission:

Labcorp Genetics (formerly Invitae), Labcorp
Classification: Uncertain significance. Last evaluated: 2022-02-22. Review status: criteria provided, single submitter. Criteria: Invitae Variant Classification Sherloc (09022015). Collection method: clinical testing. Allele origin: germline.
Comment: This variant is not present in population databases (gnomAD no frequency). In summary, the available evidence is currently insufficient to determine the role of this variant in disease. Therefore, it has been classified as a Variant of Uncertain Significance. Algorithms developed to predict the effect of missense changes on protein structure and function (SIFT, PolyPhen-2, Align-GVGD) all suggest that this variant is likely to be tolerated. This variant has not been reported in the literature in individuals affected with USP9X-related conditions. This sequence change replaces glycine, which is neutral and non-polar, with aspartic acid, which is acidic and polar, at codon 2021 of the USP9X protein (p.Gly2021Asp).